The following is an entry in ClinVar:

ClinVar aggregate classification (germline): Uncertain significance. Review status: criteria provided, multiple submitters, no conflicts (2 of 4 stars). 2 submissions from 2 submitters: Uncertain significance (2). Last evaluated 2025-05-14.

Conditions:
Cardiovascular phenotype. Identifiers: MedGen CN230736.

gnomAD v4.1: 27 of 1,549,898 alleles (0.0017%); highest among the groups gnomAD compares: East Asian, 0.0024%; no homozygotes.

Submissions (2):

Ambry Genetics
Classification: Uncertain significance for Cardiovascular phenotype. Last evaluated: 2025-05-14. Review status: criteria provided, single submitter. Criteria: Ambry Variant Classification Scheme 2023. Collection method: clinical testing. Allele origin: germline.

Labcorp Genetics (formerly Invitae), Labcorp
Classification: Uncertain significance. Last evaluated: 2022-07-25. Review status: criteria provided, single submitter. Criteria: Invitae Variant Classification Sherloc (09022015). Collection method: clinical testing. Allele origin: germline.
Comment: This sequence change replaces proline, which is neutral and non-polar, with leucine, which is neutral and non-polar, at codon 1432 of the ZNF469 protein (p.Pro1432Leu). This variant is not present in population databases (gnomAD no frequency). This variant has not been reported in the literature in individuals affected with ZNF469-related conditions. Algorithms developed to predict the effect of missense changes on protein structure and function are either unavailable or do not agree on the potential impact of this missense change (SIFT: "Deleterious"; PolyPhen-2: "Benign"; Align-GVGD: "Class C0"). In summary, the available evidence is currently insufficient to determine the role of this variant in disease. Therefore, it has been classified as a Variant of Uncertain Significance.

NM_001367624.2(ZNF469):c.4379C>T (p.Pro1460Leu)

Gene: ZNF469 (zinc finger protein 469; plus strand). Cytogenetic location: 16q24.2.
Variant type: single nucleotide variant.
Coding change: c.4379C>T on transcript NM_001367624.2 (MANE Select); coding-DNA position 4379, C replaced by T.
Protein change: p.Pro1460Leu; replaces proline 1460 with leucine.
Molecular consequence: missense variant.
Genome position (GRCh38, 1-based): chr16:88,431,849, C>T. VCF-style: chr16-88431849-C-T. GRCh37 (hg19) VCF-style: chr16-88498257-C-T.
Other names: NM_001127464.1:c.4295C>T; short protein forms P1460L.
Identifiers: ClinVar variation 1739462 (VCV001739462.5), dbSNP rs748602541, ClinGen allele CA397091495.